The following is an entry in ClinVar:

ClinVar aggregate classification (germline): Benign (3 of 4 stars; one submission).

Conditions:
Breast-ovarian cancer, familial, susceptibility to, 1 (BROVCA1). Also called: BRCA1 Hereditary Breast and Ovarian Cancer; OVARIAN CANCER, SUSCEPTIBILITY TO. Identifiers: Orphanet 145, MedGen C2676676, MONDO:0011450, OMIM 604370. Disease mechanism: loss of function.

Submission:

Evidence-based Network for the Interpretation of Germline Mutant Alleles (ENIGMA)
Classification: Benign for Breast-ovarian cancer, familial, susceptibility to, 1. Last evaluated: 2016-09-28. Review status: reviewed by expert panel. Criteria: ENIGMA BRCA1/2 Classification Criteria (2015). Collection method: curation. Allele origin: germline.
Comment: Class 1 not pathogenic based on frequency >1% in an outbred sampleset. Frequency 0.3529 (European), 0.2156 (African), 0.3674 (Admixed American/Latino), 0.3661 (East Asian), 0.4816 (South Asian), derived from 1000 genomes (2013-05-02).

NM_007294.4(BRCA1):c.135-2524_135-2509dup

Gene: BRCA1 (BRCA1 DNA repair associated; minus strand). Cytogenetic location: 17q21.31.
Variant type: Duplication.
Coding change: c.135-2524_135-2509dup on transcript NM_007294.4 (MANE Select); 2524 bases into the intron before coding-DNA position 135 through 2509 bases into the intron before coding-DNA position 135, 16 bases duplicated (GTAGGTAGATAGATAG).
Molecular consequence: intron variant.
Genome position (GRCh38, 1-based): chr17:43,109,042-43,109,057, CTATCTATCTACCTAC duplicated on the plus strand (GTAGGTAGATAGATAG on the coding strand, the reverse complement: BRCA1 is on the minus strand); duplicating any 16 consecutive bases within chr17:43,109,042-43,109,067 gives the same sequence; the c. name uses the placement nearest the transcript's 3' end. VCF-style (leftmost placement, unchanged base first): chr17-43109041-T-TCTATCTATCTACCTAC. GRCh37 (hg19) VCF-style: chr17-41261058-T-TCTATCTATCTACCTAC.
Other names: c.-8+1408_-8+1423dup (NM_001408455.1, NM_001407731.1, NM_001407930.1 and 14 more transcripts); c.-54-2524_-54-2509dup (NM_001407889.1, NM_001408513.1, NM_001407899.1 and 56 more transcripts); c.-7-2524_-7-2509dup (NM_001407695.1, NM_001407846.1, NM_001407726.1 and 82 more transcripts); c.135-2524_135-2509dup (NM_001407973.1, NM_001407596.1, NM_001408495.1 and 167 more transcripts); c.-218-14197_-218-14182dup (NM_001407966.1, NM_001407967.1); c.-169-4101_-169-4086dup (NM_001407963.1, NM_001407960.1, NM_001407959.1 and 3 more transcripts); c.135-4101_135-4086dup (NM_001408413.1, NM_001407660.1, NM_001407661.1 and 21 more transcripts); c.-170+1408_-170+1423dup (NM_001407965.1); and 2 more.
Identifiers: ClinVar variation 264813 (VCV000264813.2), dbSNP rs146934045, ClinGen allele CA10588243.